The following is an entry in ClinVar:

NM_152383.5(DIS3L2):c.1724A>T (p.Tyr575Phe)

Gene: DIS3L2 (DIS3 like 3'-5' exoribonuclease 2; plus strand). Cytogenetic location: 2q37.1.
Variant type: single nucleotide variant.
Coding change: c.1724A>T on transcript NM_152383.5 (MANE Select); coding-DNA position 1724, A replaced by T.
Protein change: p.Tyr575Phe; replaces tyrosine 575 with phenylalanine.
Molecular consequence: missense variant. On other transcripts: non-coding transcript variant (2), intron variant (1).
Genome position (GRCh38, 1-based): chr2:232,300,104, A>T. VCF-style: chr2-232300104-A-T. GRCh37 (hg19) VCF-style: chr2-233164814-A-T.
Other names: c.1581+36742A>T (NM_001257281.2); short protein forms Y575F.
Identifiers: ClinVar variation 834757 (VCV000834757.9), dbSNP rs1694818372, ClinGen allele CA350978706.
Genomic context (GRCh38, chr2:232,300,104, plus strand): 5'-AGCTTGCTTTCACTCTGGACCACGAGACCGGATTGCCTCAAGGATGTCATATCTATGAGT[A>T]CCGCGAGAGCAACAAGTAAGCCACTCAGTGGGAAAGAGTGTCACTTCACATGTGTGCAGC-3'
Protein context (NP_689596.4, residues 565-585): GLPQGCHIYE[Tyr575Phe]RESNKLVEEF

ClinVar aggregate classification (germline): Uncertain significance (1 of 4 stars; one submission).

Conditions:
Perlman syndrome (PRLMNS). Identifiers: Orphanet 2849, MedGen C0796113, MONDO:0009965, OMIM 267000.

Submission:

Labcorp Genetics (formerly Invitae), Labcorp
Classification: Uncertain significance for Perlman syndrome. Last evaluated: 2020-06-13. Review status: criteria provided, single submitter. Criteria: Invitae Variant Classification Sherloc (09022015). Collection method: clinical testing. Allele origin: germline.
Comment: Algorithms developed to predict the effect of missense changes on protein structure and function are either unavailable or do not agree on the potential impact of this missense change (SIFT: "Tolerated"; PolyPhen-2: "Possibly Damaging"; Align-GVGD: "Class C0"). This variant has not been reported in the literature in individuals with DIS3L2-related conditions. This variant is not present in population databases (ExAC no frequency). In summary, the available evidence is currently insufficient to determine the role of this variant in disease. Therefore, it has been classified as a Variant of Uncertain Significance. This sequence change replaces tyrosine with phenylalanine at codon 575 of the DIS3L2 protein (p.Tyr575Phe). The tyrosine residue is moderately conserved and there is a small physicochemical difference between tyrosine and phenylalanine.